The following is an entry in ClinVar:

NM_000321.3(RB1):c.1275_1279dup (p.Lys427fs)

Gene: RB1 (RB transcriptional corepressor 1; plus strand). Cytogenetic location: 13q14.2.
Variant type: Duplication.
Coding change: c.1275_1279dup on transcript NM_000321.3 (MANE Select); coding-DNA positions 1275 to 1279, 5 bases duplicated (CTTTA; older notation c.1275_1279dupCTTTA).
Protein change: p.Lys427fs; shifts the reading frame from lysine 427.
Molecular consequence: frameshift variant.
Genome position (GRCh38, 1-based): chr13:48,376,977-48,376,981, CTTTA duplicated. VCF-style (leftmost placement, unchanged base first): chr13-48376976-T-TCTTTA. GRCh37 (hg19) VCF-style: chr13-48951112-T-TCTTTA.
Other names: short protein forms K427fs.
Identifiers: ClinVar variation 856059 (VCV000856059.8), dbSNP rs1952831740, ClinGen allele CA916081690.

ClinVar aggregate classification (germline): Pathogenic/Likely pathogenic. Review status: criteria provided, multiple submitters, no conflicts (2 of 4 stars). 2 submissions from 2 submitters: Pathogenic (1); Likely pathogenic (1). Last evaluated 2026-05-29.

Conditions:
Retinoblastoma (RB1). Also called: RETINOBLASTOMA, SOMATIC. Identifiers: Orphanet 790, MedGen C0035335, MeSH D012175, MONDO:0008380, OMIM 180200, HP:0009919. Disease mechanism: loss of function. Inheritance: Both sporadic and heritable forms are tested..

Submissions (2):

Diller/Parad Lab, Dana-Farber/Harvard Cancer Center
Classification: Likely pathogenic for Retinoblastoma. Last evaluated: 2026-05-29. Review status: criteria provided, single submitter. Criteria: ACMG Guidelines, 2015. Collection method: research. Allele origin: germline. Affected: yes.
Comment: It has been classified as Likely Pathogenic using Richards et al (PMID:25741868) based on the following evidence codes: PM2, PVS1.

Labcorp Genetics (formerly Invitae), Labcorp
Classification: Pathogenic for Retinoblastoma. Last evaluated: 2019-03-07. Review status: criteria provided, single submitter. Criteria: Invitae Variant Classification Sherloc (09022015). Collection method: clinical testing. Allele origin: germline.
Comment: This variant is not present in population databases (ExAC no frequency). This sequence change creates a premature translational stop signal (p.Lys427Thrfs*32) in the RB1 gene. It is expected to result in an absent or disrupted protein product. This variant has not been reported in the literature in individuals with RB1-related conditions. For these reasons, this variant has been classified as Pathogenic. Loss-of-function variants in RB1 are known to be pathogenic (PMID: 17096365).

Literature cited by the submitters: PubMed 17096365 (cited by Labcorp Genetics (formerly Invitae), Labcorp).